The following is an entry in ClinVar:

ClinVar aggregate classification (germline): Likely pathogenic (1 of 4 stars; one submission).

Conditions:
Glycogen storage disease, type VII (GSD7). Also called: GSD VII; MUSCLE PHOSPHOFRUCTOKINASE DEFICIENCY; PFKM DEFICIENCY; TARUI DISEASE. Identifiers: Orphanet 371, MedGen C0017926, MONDO:0009295, OMIM 232800.

gnomAD v4.1: 1 of 1,613,602 alleles (0.000062%); highest among the groups gnomAD compares: Non-Finnish European, 0.000085%; no homozygotes.

Submission:

Labcorp Genetics (formerly Invitae), Labcorp
Classification: Likely pathogenic for Glycogen storage disease, type VII. Last evaluated: 2024-03-08. Review status: criteria provided, single submitter. Criteria: Invitae Variant Classification Sherloc (09022015). Collection method: clinical testing. Allele origin: germline.
Comment: This sequence change affects a donor splice site in intron 15 of the PFKM gene. It is expected to disrupt RNA splicing. Variants that disrupt the donor or acceptor splice site typically lead to a loss of protein function (PMID: 16199547), and loss-of-function variants in PFKM are known to be pathogenic (PMID: 7825568, 8037209). This variant is not present in population databases (gnomAD no frequency). This variant has not been reported in the literature in individuals affected with PFKM-related conditions. Algorithms developed to predict the effect of sequence changes on RNA splicing suggest that this variant may disrupt the consensus splice site. In summary, the currently available evidence indicates that the variant is pathogenic, but additional data are needed to prove that conclusively. Therefore, this variant has been classified as Likely Pathogenic.

Literature cited by the submitters: PubMed 16199547; PubMed 7825568; PubMed 8037209.

NM_000289.6(PFKM):c.1412+1G>A

Gene: PFKM (phosphofructokinase, muscle; plus strand). Cytogenetic location: 12q13.11.
Variant type: single nucleotide variant.
Coding change: c.1412+1G>A on transcript NM_000289.6 (MANE Select); the canonical splice donor site of the intron after coding-DNA position 1412, G replaced by A.
Molecular consequence: splice donor variant.
Genome position (GRCh38, 1-based): chr12:48,141,382, G>A. VCF-style: chr12-48141382-G-A. GRCh37 (hg19) VCF-style: chr12-48535165-G-A.
Other names: c.1436+1G>A (NM_001354741.2); c.1412+1G>A (NM_001354742.2, NM_001354743.2, NM_001354744.2 and 2 more transcripts); c.1262+1G>A (NM_001354747.2, NM_001354748.2); c.1625+1G>A (NM_001166686.2, NM_001354737.1, NM_001354739.1 and 1 more transcripts); c.1721+1G>A (NM_001354736.1, NM_001354735.1); c.1556+1G>A (NM_001354740.1); c.1325+1G>A (NM_001354745.2); c.1286+1G>A (NM_001354746.2); and 1 more.
Identifiers: ClinVar variation 3643937 (VCV003643937.2).